The following is an entry in ClinVar:

NM_000088.4(COL1A1):c.1412C>G (p.Ala471Gly)

Gene: COL1A1 (collagen type I alpha 1 chain; minus strand). Cytogenetic location: 17q21.33.
Variant type: single nucleotide variant.
Coding change: c.1412C>G on transcript NM_000088.4 (MANE Select); coding-DNA position 1412, C replaced by G.
Protein change: p.Ala471Gly; replaces alanine 471 with glycine.
Molecular consequence: missense variant.
Genome position (GRCh38, 1-based): chr17:50,194,770, G>C on the plus strand (C>G on the coding strand, the complement: COL1A1 is on the minus strand). VCF-style: chr17-50194770-G-C. GRCh37 (hg19) VCF-style: chr17-48272131-G-C.
Other names: c.1412C>G (NM_000088.3); short protein forms A471G.
Identifiers: ClinVar variation 1438522 (VCV001438522.9), dbSNP rs978893604, ClinGen allele CA291545474.

ClinVar aggregate classification (germline): Conflicting classifications of pathogenicity. Review status: criteria provided, conflicting classifications (1 of 4 stars). 2 submissions from 2 submitters: Uncertain significance (1); Benign (1). Last evaluated 2026-06-09.

Conditions:
Cardiovascular phenotype. Identifiers: MedGen CN230736.
Osteogenesis imperfecta type I (OI1). Also called: OI, TYPE I; OSTEOGENESIS IMPERFECTA TARDA; OSTEOGENESIS IMPERFECTA WITH BLUE SCLERAE; Osteogenesis imperfecta type 1; Lobstein's Disease; Lobstein disease. Identifiers: Orphanet 216796, Orphanet 666, MedGen C0023931, MONDO:0008146, OMIM 166200. Disease mechanism: loss of function.

Allele frequency attached by ClinVar (database versions not stated): gnomAD 0.00003.
gnomAD v4.1: 11 of 1,574,120 alleles (0.0007%); highest among the groups gnomAD compares: African/African-American, 0.011%; no homozygotes.

Submissions (2):

Ambry Genetics
Classification: Uncertain significance for Cardiovascular phenotype. Last evaluated: 2026-06-09. Review status: criteria provided, single submitter. Criteria: Ambry Variant Classification Scheme 2023. Collection method: clinical testing. Allele origin: germline.
Comment: The p.A471G variant (also known as c.1412C>G), located in coding exon 21 of the COL1A1 gene, results from a C to G substitution at nucleotide position 1412. The alanine at codon 471 is replaced by glycine, an amino acid with similar properties. This amino acid position is conserved. In addition, this alteration is predicted to be tolerated by in silico analysis. Based on the available evidence, the clinical significance of this variant remains unclear.

Labcorp Genetics (formerly Invitae), Labcorp
Classification: Benign for Osteogenesis imperfecta type I. Last evaluated: 2024-07-15. Review status: criteria provided, single submitter. Criteria: Invitae Variant Classification Sherloc (09022015). Collection method: clinical testing. Allele origin: germline.